The following is an entry in ClinVar:

ClinVar aggregate classification (germline): Uncertain significance (1 of 4 stars; one submission).

Allele frequency attached by ClinVar (database versions not stated): gnomAD exomes 0.00001; ExAC 0.00002.

Submission:

Labcorp Genetics (formerly Invitae), Labcorp
Classification: Uncertain significance. Last evaluated: 2026-01-12. Review status: criteria provided, single submitter. Criteria: Invitae Variant Classification Sherloc (09022015). Collection method: clinical testing. Allele origin: germline.
Comment: This sequence change replaces arginine, which is basic and polar, with glutamine, which is neutral and polar, at codon 29 of the ACO2 protein (p.Arg29Gln). This variant is present in population databases (rs756554049, gnomAD 0.005%). This variant has not been reported in the literature in individuals affected with ACO2-related conditions. ClinVar contains an entry for this variant (Variation ID: 2716042). An algorithm developed to predict the effect of missense changes on protein structure and function (PolyPhen-2) suggests that this variant is likely to be tolerated. In summary, the available evidence is currently insufficient to determine the role of this variant in disease. Therefore, it has been classified as a Variant of Uncertain Significance.

NM_001098.3(ACO2):c.86G>A (p.Arg29Gln)

Gene: ACO2 (aconitase 2; plus strand). Cytogenetic location: 22q13.2.
Variant type: single nucleotide variant.
Coding change: c.86G>A on transcript NM_001098.3 (MANE Select); coding-DNA position 86, G replaced by A.
Protein change: p.Arg29Gln; replaces arginine 29 with glutamine.
Molecular consequence: missense variant.
Genome position (GRCh38, 1-based): chr22:41,499,775, G>A. VCF-style: chr22-41499775-G-A. GRCh37 (hg19) VCF-style: chr22-41895779-G-A.
Other names: short protein forms R29Q.
Identifiers: ClinVar variation 2716042 (VCV002716042.3), dbSNP rs756554049, ClinGen allele CA10257278.
Genomic context (GRCh38, chr22:41,499,775, plus strand): 5'-TCTTCTTGCAGAAAGCTCTGGGTGTGCGGCAGTACCATGTGGCCTCAGTCCTGTGCCAAC[G>A]GGCCAAGGTGGCGATGAGCCACTTTGAGCCCAACGAGTACATCCATTATGACCTGCTAGA-3'
Protein context (NP_001089.1, residues 19-39): QYHVASVLCQ[Arg29Gln]AKVAMSHFEP